The following is an entry in ClinVar:

NM_001286.5(CLCN6):c.1373-17_1373-9del

Gene: CLCN6 (chloride voltage-gated channel 6; plus strand). Cytogenetic location: 1p36.22.
Variant type: Deletion.
Coding change: c.1373-17_1373-9del on transcript NM_001286.5 (MANE Select); 17 bases into the intron before coding-DNA position 1373 through 9 bases into the intron before coding-DNA position 1373, 9 bases deleted (TGGCTCTTC; older notation c.1373-17_1373-9delTGGCTCTTC).
Molecular consequence: intron variant.
Genome position (GRCh38, 1-based): chr1:11,833,860-11,833,868, TGGCTCTTC deleted. VCF-style (leftmost placement, unchanged base first): chr1-11833859-TTGGCTCTTC-T. GRCh37 (hg19) VCF-style: chr1-11893916-TTGGCTCTTC-T.
Other names: c.1307-17_1307-9del (NM_001256959.2).
Identifiers: ClinVar variation 1491465 (VCV001491465.8), dbSNP rs2100652618, ClinGen allele CA2573130733.

ClinVar aggregate classification (germline): Uncertain significance (1 of 4 stars; one submission).

Submission:

Labcorp Genetics (formerly Invitae), Labcorp
Classification: Uncertain significance. Last evaluated: 2021-07-02. Review status: criteria provided, single submitter. Criteria: Invitae Variant Classification Sherloc (09022015). Collection method: clinical testing. Allele origin: germline.
Comment: This sequence change falls in intron 14 of the CLCN6 gene. It does not directly change the encoded amino acid sequence of the CLCN6 protein. This variant is not present in population databases (ExAC no frequency). This variant has not been reported in the literature in individuals with CLCN6-related conditions. Algorithms developed to predict the effect of sequence changes on RNA splicing suggest that this variant may disrupt the consensus splice site, but this prediction has not been confirmed by published transcriptional studies. In summary, the available evidence is currently insufficient to determine the role of this variant in disease. Therefore, it has been classified as a Variant of Uncertain Significance.